The following is an entry in ClinVar:

NM_000078.3(CETP):c.1256C>G (p.Ser419Cys)

Gene: CETP (cholesteryl ester transfer protein; plus strand). Cytogenetic location: 16q13.
Variant type: single nucleotide variant.
Coding change: c.1256C>G on transcript NM_000078.3 (MANE Select); coding-DNA position 1256, C replaced by G.
Protein change: p.Ser419Cys; replaces serine 419 with cysteine.
Molecular consequence: missense variant.
Genome position (GRCh38, 1-based): chr16:56,982,172, C>G. VCF-style: chr16-56982172-C-G. GRCh37 (hg19) VCF-style: chr16-57016084-C-G.
Other names: c.1076C>G, p.Ser359Cys (NM_001286085.2); short protein forms S419C, S359C.
Identifiers: ClinVar variation 1365112 (VCV001365112.8), dbSNP rs1280366041, ClinGen allele CA396007485.

ClinVar aggregate classification (germline): Uncertain significance (1 of 4 stars; one submission).

Allele frequency attached by ClinVar (database versions not stated): gnomAD 0.00001; gnomAD exomes 0.00001; TOPMed 0.00001.
gnomAD v4.1: 5 of 1,613,996 alleles (0.00031%); highest among the groups gnomAD compares: Non-Finnish European, 0.00042%; no homozygotes.

Submission:

Labcorp Genetics (formerly Invitae), Labcorp
Classification: Uncertain significance. Last evaluated: 2021-02-22. Review status: criteria provided, single submitter. Criteria: Invitae Variant Classification Sherloc (09022015). Collection method: clinical testing. Allele origin: germline.
Comment: This sequence change replaces serine with cysteine at codon 419 of the CETP protein (p.Ser419Cys). The serine residue is weakly conserved and there is a moderate physicochemical difference between serine and cysteine. This variant is not present in population databases (ExAC no frequency). This variant has not been reported in the literature in individuals with CETP-related conditions. Algorithms developed to predict the effect of missense changes on protein structure and function are either unavailable or do not agree on the potential impact of this missense change (SIFT: "Deleterious"; PolyPhen-2: "Possibly Damaging"; Align-GVGD: "Class C0"). In summary, the available evidence is currently insufficient to determine the role of this variant in disease. Therefore, it has been classified as a Variant of Uncertain Significance.